The following is an entry in ClinVar:

NM_000383.4(AIRE):c.1334G>C (p.Arg445Pro)

Gene: AIRE (autoimmune regulator; plus strand). Cytogenetic location: 21q22.3.
Variant type: single nucleotide variant.
Coding change: c.1334G>C on transcript NM_000383.4 (MANE Select); coding-DNA position 1334, G replaced by C.
Protein change: p.Arg445Pro; replaces arginine 445 with proline.
Molecular consequence: missense variant.
Genome position (GRCh38, 1-based): chr21:44,293,844, G>C. VCF-style: chr21-44293844-G-C. GRCh37 (hg19) VCF-style: chr21-45713727-G-C.
Other names: short protein forms R445P.
Identifiers: ClinVar variation 4753990 (VCV004753990.1).

ClinVar aggregate classification (germline): Uncertain significance (1 of 4 stars; one submission).

Conditions:
Polyglandular autoimmune syndrome, type 1 (APS1). Also called: HYPOADRENOCORTICISM WITH HYPOPARATHYROIDISM AND SUPERFICIAL MONILIASIS; PGA I; Autoimmune polyendocrinopathy syndrome, type I; Whitaker syndrome; Autoimmune polyendocrinopathy syndrome , type I, with or without reversible metaphyseal dysplasia; AUTOIMMUNE POLYENDOCRINE SYNDROME, TYPE I, WITH OR WITHOUT REVERSIBLE METAPHYSEAL DYSPLASIA. Identifiers: Orphanet 3453, MedGen C0085859, MONDO:0009411, OMIM 240300.

Submission:

Labcorp Genetics (formerly Invitae), Labcorp
Classification: Uncertain significance for Polyglandular autoimmune syndrome, type 1. Last evaluated: 2025-12-20. Review status: criteria provided, single submitter. Criteria: Invitae Variant Classification Sherloc (09022015). Collection method: clinical testing. Allele origin: germline.
Comment: This sequence change replaces arginine, which is basic and polar, with proline, which is neutral and non-polar, at codon 445 of the AIRE protein (p.Arg445Pro). This variant is not present in population databases (gnomAD no frequency). This variant has not been reported in the literature in individuals affected with AIRE-related conditions. Invitae Evidence Modeling of protein sequence and biophysical properties (such as structural, functional, and spatial information, amino acid conservation, physicochemical variation, residue mobility, and thermodynamic stability) has been performed for this missense variant. However, the output from this modeling did not meet the statistical confidence thresholds required to predict the impact of this variant on AIRE protein function. In summary, the available evidence is currently insufficient to determine the role of this variant in disease. Therefore, it has been classified as a Variant of Uncertain Significance.